The following is an entry in ClinVar:

ClinVar aggregate classification (germline): Uncertain significance (1 of 4 stars; one submission).

gnomAD v4.1: 1 of 1,613,838 alleles (0.000062%); highest among the groups gnomAD compares: Non-Finnish European, 0.000085%; no homozygotes.

Submission:

GeneDx
Classification: Uncertain significance. Last evaluated: 2022-06-22. Review status: criteria provided, single submitter. Criteria: GeneDx Variant Classification Process June 2021. Collection method: clinical testing. Allele origin: germline. Affected: yes.
Comment: Not observed at significant frequency in large population cohorts (gnomAD); In silico analysis supports that this missense variant has a deleterious effect on protein structure/function; Has not been previously published as pathogenic or benign to our knowledge

NM_206933.4(USH2A):c.5699G>C (p.Cys1900Ser)

Genes: USH2A (usherin; minus strand), USH2A-AS2 (USH2A antisense RNA 2; plus strand). Cytogenetic location: 1q41.
Variant type: single nucleotide variant.
Coding change: c.5699G>C on transcript NM_206933.4 (MANE Select); coding-DNA position 5699, G replaced by C.
Protein change: p.Cys1900Ser; replaces cysteine 1900 with serine.
Molecular consequence: missense variant.
Genome position (GRCh38, 1-based): chr1:216,073,174, C>G on the plus strand (G>C on the coding strand, the complement: USH2A is on the minus strand). VCF-style: chr1-216073174-C-G. GRCh37 (hg19) VCF-style: chr1-216246516-C-G.
Other names: short protein forms C1900S.
Identifiers: ClinVar variation 1806658 (VCV001806658.1), dbSNP rs755595217, ClinGen allele CA344854333.
Genomic context (GRCh38, chr1:216,073,174, plus strand): 5'-CCACCCTCGTAAACACTCTGCTCTTTTCCCTGGTAAACCAGGATGGAGTCATTTCCCCTG[C>G]AGTTAACAGCACTGTCAGTTGATAGGCATCCATCCAGATTGACTCTGACAGCACCGCTGG-3'
Protein context (NP_996816.3, residues 1890-1910): GCLSTDSAVN[Cys1900Ser]RGNDSILVYQ